The following is an entry in ClinVar:

ClinVar aggregate classification (germline): Uncertain significance (1 of 4 stars; one submission).

Conditions:
Hereditary cancer-predisposing syndrome. Also called: Tumor predisposition; Hereditary neoplastic syndrome; Hereditary Cancer Syndrome; Neoplastic Syndromes, Hereditary. Identifiers: Orphanet 140162, MedGen C0027672, MeSH D009386, MONDO:0015356.

Submission:

Ambry Genetics
Classification: Uncertain significance for Hereditary cancer-predisposing syndrome. Last evaluated: 2025-05-07. Review status: criteria provided, single submitter. Criteria: Ambry Variant Classification Scheme 2023. Collection method: clinical testing. Allele origin: germline.
Comment: The c.3907delC variant, located in coding exon 23 of the PTCH1 gene, results from a deletion of one nucleotide at nucleotide position 3907, causing a translational frameshift with a predicted alternate stop codon (p.R1303Afs*69). This alteration is expected to result in loss of function by premature protein truncation or nonsense-mediated mRNA decay. However, it occurs near the 3' terminus of PTCH1 where no known functional domains are located. Alterations in this region have been observed in individuals who do not have a personal or family history that is consistent with or suggestive of PTCH1-associated disease (Ambry internal data). Since supporting evidence is limited at this time, the clinical significance of this alteration remains unclear.

NM_000264.5(PTCH1):c.3907del (p.Arg1303fs)

Gene: PTCH1 (patched 1; minus strand). Cytogenetic location: 9q22.32.
Variant type: Deletion.
Coding change: c.3907del on transcript NM_000264.5 (MANE Select); coding-DNA position 3907, one base deleted (C; older notation c.3907delC).
Protein change: p.Arg1303fs; shifts the reading frame from arginine 1303.
Molecular consequence: frameshift variant. On other transcripts: non-coding transcript variant (1).
Genome position (GRCh38, 1-based): chr9:95,447,349, G deleted on the plus strand (C on the coding strand, the reverse complement: PTCH1 is on the minus strand); the first of 4 consecutive G bases (chr9:95,447,349-95,447,352); deleting any one gives the same sequence. VCF-style (leftmost placement, unchanged base first): chr9-95447348-CG-C. GRCh37 (hg19) VCF-style: chr9-98209630-CG-C.
Other names: c.3907delC (NM_000264.3); c.3709del, p.Arg1237fs (NM_001083602.3); c.3904del, p.Arg1302fs (NM_001083603.3); c.3454del, p.Arg1152fs (NM_001083604.3, NM_001083605.3, NM_001083606.3 and 1 more transcripts); c.3751del, p.Arg1251fs (NM_001354918.2); short protein forms R1152fs, R1302fs, R1237fs, R1251fs, R1303fs.
Identifiers: ClinVar variation 3939922 (VCV003939922.1).